The following is an entry in ClinVar:

NM_018136.5(ASPM):c.1845_1847del (p.Lys616del)

Gene: ASPM (assembly factor for spindle microtubules; minus strand). Cytogenetic location: 1q31.3.
Variant type: Deletion.
Coding change: c.1845_1847del on transcript NM_018136.5 (MANE Select); coding-DNA positions 1845 to 1847, 3 bases deleted (GAA; older notation c.1845_1847delGAA).
Protein change: p.Lys616del; deletes lysine 616.
Molecular consequence: inframe deletion.
Genome position (GRCh38, 1-based): chr1:197,142,405-197,142,407, TTC deleted on the plus strand (GAA on the coding strand, the reverse complement: ASPM is on the minus strand); deleting any 3 consecutive bases within chr1:197,142,405-197,142,409 gives the same sequence; the c. name uses the placement nearest the transcript's 3' end. VCF-style (leftmost placement, unchanged base first): chr1-197142404-TTTC-T. GRCh37 (hg19) VCF-style: chr1-197111534-TTTC-T.
Other names: c.1845_1847del, p.Lys616del (NM_001206846.2); short protein forms K616del.
Identifiers: ClinVar variation 522024 (VCV000522024.7), dbSNP rs750297982, ClinGen allele CA1310637.

ClinVar aggregate classification (germline): Uncertain significance. Review status: criteria provided, multiple submitters, no conflicts (2 of 4 stars). 3 submissions from 3 submitters: Uncertain significance (3). Last evaluated 2023-06-05.

Conditions:
Inborn genetic diseases. Identifiers: MedGen C0950123, MeSH D030342.
Microcephaly 5, primary, autosomal recessive (MCPH5). Also called: ASPM Primary Microcephaly. Identifiers: Orphanet 2512, MedGen C1837501, MONDO:0012106, OMIM 608716.

Submissions (3):

Labcorp Genetics (formerly Invitae), Labcorp
Classification: Uncertain significance. Last evaluated: 2023-06-05. Review status: criteria provided, single submitter. Criteria: Invitae Variant Classification Sherloc (09022015). Collection method: clinical testing. Allele origin: germline.
Comment: ClinVar contains an entry for this variant (Variation ID: 522024). This variant has not been reported in the literature in individuals affected with ASPM-related conditions. This variant is present in population databases (rs750297982, gnomAD 0.1%). This variant, c.1845_1847del, results in the deletion of 1 amino acid(s) of the ASPM protein (p.Lys616del), but otherwise preserves the integrity of the reading frame. Experimental studies and prediction algorithms are not available or were not evaluated, and the functional significance of this variant is currently unknown. In summary, the available evidence is currently insufficient to determine the role of this variant in disease. Therefore, it has been classified as a Variant of Uncertain Significance.

Genome-Nilou Lab
Classification: Uncertain significance for Microcephaly 5, primary, autosomal recessive. Last evaluated: 2023-04-11. Review status: criteria provided, single submitter. Criteria: ACMG Guidelines, 2015. Collection method: clinical testing. Allele origin: germline. Affected: no.

Ambry Genetics
Classification: Uncertain significance for Inborn genetic diseases. Last evaluated: 2017-09-19. Review status: criteria provided, single submitter. Criteria: Ambry exome assertion method (8-5-2015). Collection method: clinical testing. Allele origin: germline. Affected: yes. Observed: 1 variant allele.